The following is an entry in ClinVar:

ClinVar aggregate classification (germline): Benign/Likely benign. Review status: criteria provided, multiple submitters, no conflicts (2 of 4 stars). 3 submissions from 3 submitters: Benign (1); Likely benign (2). Last evaluated 2026-01-15.

Conditions:
Hereditary cancer-predisposing syndrome. Also called: Hereditary neoplastic syndrome; Tumor predisposition; Neoplastic Syndromes, Hereditary; Hereditary Cancer Syndrome. Identifiers: Orphanet 140162, MedGen C0027672, MeSH D009386, MONDO:0015356.
Hereditary diffuse gastric adenocarcinoma (HDGC). Also called: DIFFUSE GASTRIC AND LOBULAR BREAST CANCER SYNDROME. Identifiers: Orphanet 26106, MedGen C1708349, MONDO:0007648, OMIM 137215.

Allele frequency attached by ClinVar (database versions not stated): gnomAD exomes below 0.00001.
gnomAD v4.1: 2 of 1,614,150 alleles (0.00012%); highest among the groups gnomAD compares: Non-Finnish European, 0.00017%; no homozygotes.

Submissions (3):

Labcorp Genetics (formerly Invitae), Labcorp
Classification: Likely benign. Last evaluated: 2026-01-15. Review status: criteria provided, single submitter. Criteria: Invitae Variant Classification Sherloc (09022015). Collection method: clinical testing. Allele origin: germline.

Myriad Genetics, Inc.
Classification: Benign for Hereditary diffuse gastric adenocarcinoma. Last evaluated: 2024-10-09. Review status: criteria provided, single submitter. Criteria: Myriad Autosomal Dominant, Autosomal Recessive and X-Linked Classification Criteria (2023). Collection method: clinical testing. Allele origin: unknown.
Comment: This variant is considered benign. This variant is a silent/synonymous amino acid change and it is not expected to impact splicing.

Ambry Genetics
Classification: Likely benign for Hereditary cancer-predisposing syndrome. Last evaluated: 2020-05-26. Review status: criteria provided, single submitter. Criteria: Ambry Variant Classification Scheme 2023. Collection method: clinical testing. Allele origin: germline.

NM_001903.5(CTNNA1):c.198A>G (p.Glu66=)

Gene: CTNNA1 (catenin alpha 1; plus strand). Cytogenetic location: 5q31.2.
Variant type: single nucleotide variant.
Coding change: c.198A>G on transcript NM_001903.5 (MANE Select); coding-DNA position 198, A replaced by G.
Protein change: p.Glu66=; no amino-acid change (glutamic acid 66 retained).
Molecular consequence: synonymous variant. On other transcripts: 5 prime UTR variant (1), intron variant (1).
Genome position (GRCh38, 1-based): chr5:138,783,269, A>G. VCF-style: chr5-138783269-A-G. GRCh37 (hg19) VCF-style: chr5-138118958-A-G.
Other names: c.198A>G, p.Glu66= (NM_001290307.3, NM_001323982.2, NM_001323983.1 and 3 more transcripts); c.-9A>G (NM_001290310.3); c.-9+1240A>G (NM_001290309.3).
Identifiers: ClinVar variation 1146031 (VCV001146031.12), dbSNP rs1186222841, ClinGen allele CA446725117.